The following is an entry in ClinVar:

ClinVar aggregate classification (germline): Uncertain significance (1 of 4 stars; one submission).

Conditions:
RASopathy. Also called: Noonan spectrum disorder; rasopathies. Identifiers: Orphanet 536391, MedGen C5555857, MONDO:0021060.

Submission:

Labcorp Genetics (formerly Invitae), Labcorp
Classification: Uncertain significance for RASopathy. Last evaluated: 2024-03-24. Review status: criteria provided, single submitter. Criteria: Invitae Variant Classification Sherloc (09022015). Collection method: clinical testing. Allele origin: germline.
Comment: This sequence change replaces cysteine, which is neutral and slightly polar, with tryptophan, which is neutral and slightly polar, at codon 424 of the RAF1 protein (p.Cys424Trp). This variant is not present in population databases (gnomAD no frequency). This variant has not been reported in the literature in individuals affected with RAF1-related conditions. Advanced modeling of protein sequence and biophysical properties (such as structural, functional, and spatial information, amino acid conservation, physicochemical variation, residue mobility, and thermodynamic stability) performed at Invitae indicates that this missense variant is expected to disrupt RAF1 protein function with a positive predictive value of 95%. In summary, the available evidence is currently insufficient to determine the role of this variant in disease. Therefore, it has been classified as a Variant of Uncertain Significance.

NM_002880.4(RAF1):c.1272C>G (p.Cys424Trp)

Gene: RAF1 (Raf-1 proto-oncogene, serine/threonine kinase; minus strand). Cytogenetic location: 3p25.2.
Variant type: single nucleotide variant.
Coding change: c.1272C>G on transcript NM_002880.4 (MANE Select); coding-DNA position 1272, C replaced by G.
Protein change: p.Cys424Trp; replaces cysteine 424 with tryptophan.
Molecular consequence: missense variant. On other transcripts: non-coding transcript variant (3).
Genome position (GRCh38, 1-based): chr3:12,590,896, G>C on the plus strand (C>G on the coding strand, the complement: RAF1 is on the minus strand). VCF-style: chr3-12590896-G-C. GRCh37 (hg19) VCF-style: chr3-12632395-G-C.
Other names: c.1332C>G, p.Cys444Trp (NM_001354689.3); c.1272C>G, p.Cys424Trp (NM_001354690.3); c.1029C>G, p.Cys343Trp (NM_001354691.3, NM_001354692.3); c.1173C>G, p.Cys391Trp (NM_001354693.3); c.1089C>G, p.Cys363Trp (NM_001354694.3); c.930C>G, p.Cys310Trp (NM_001354695.3); short protein forms C343W, C363W, C444W, C424W, C310W, C391W.
Identifiers: ClinVar variation 3635597 (VCV003635597.2).